The following is an entry in ClinVar:

ClinVar aggregate classification (germline): Uncertain significance. Review status: criteria provided, multiple submitters, no conflicts (2 of 4 stars). 3 submissions from 3 submitters: Uncertain significance (3). Last evaluated 2025-08-25.

Conditions:
Familial adenomatous polyposis 1 (FAP1). Also called: POLYPOSIS, ADENOMATOUS INTESTINAL; FAMILIAL ADENOMATOUS POLYPOSIS 1, ATTENUATED. Identifiers: MedGen C2713442, MONDO:0021056, OMIM 175100. Disease mechanism: loss of function.
Hereditary cancer-predisposing syndrome. Also called: Tumor predisposition; Hereditary neoplastic syndrome; Neoplastic Syndromes, Hereditary; Hereditary Cancer Syndrome. Identifiers: Orphanet 140162, MedGen C0027672, MeSH D009386, MONDO:0015356.

Allele frequency attached by ClinVar (database versions not stated): gnomAD exomes below 0.00001 and 0.00001; ExAC 0.00002.
gnomAD v4.1: 2 of 1,614,220 alleles (0.00012%); highest among the groups gnomAD compares: Non-Finnish European, 0.000085%; no homozygotes.

Submissions (3):

Ambry Genetics
Classification: Uncertain significance for Hereditary cancer-predisposing syndrome. Last evaluated: 2025-08-25. Review status: criteria provided, single submitter. Criteria: Ambry Variant Classification Scheme 2023. Collection method: clinical testing. Allele origin: germline.
Comment: The p.Q1611E variant (also known as c.4831C>G), located in coding exon 15 of the APC gene, results from a C to G substitution at nucleotide position 4831. The glutamine at codon 1611 is replaced by glutamic acid, an amino acid with highly similar properties. This amino acid position is highly conserved in available vertebrate species. In addition, in silico predictors for this gene do not accurately predict pathogenicity. Missense alterations in APC are not a common cause of disease (Spier I et al. Genet Med. 2024 Feb;26(2):100992). Based on the available evidence, the clinical significance of this variant remains unclear.

Mendelics
Classification: Uncertain significance. Last evaluated: 2022-05-04. Review status: criteria provided, single submitter. Criteria: Mendelics Assertion Criteria 2019. Collection method: clinical testing. Allele origin: germline.

Labcorp Genetics (formerly Invitae), Labcorp
Classification: Uncertain significance for Familial adenomatous polyposis 1. Last evaluated: 2022-01-27. Review status: criteria provided, single submitter. Criteria: Invitae Variant Classification Sherloc (09022015). Collection method: clinical testing. Allele origin: germline.
Comment: In summary, the available evidence is currently insufficient to determine the role of this variant in disease. Therefore, it has been classified as a Variant of Uncertain Significance. Algorithms developed to predict the effect of missense changes on protein structure and function (SIFT, PolyPhen-2, Align-GVGD) all suggest that this variant is likely to be tolerated. This variant has not been reported in the literature in individuals affected with APC-related conditions. This variant is present in population databases (rs774847203, gnomAD 0.002%). This sequence change replaces glutamine, which is neutral and polar, with glutamic acid, which is acidic and polar, at codon 1611 of the APC protein (p.Gln1611Glu).

NM_000038.6(APC):c.4831C>G (p.Gln1611Glu)

Gene: APC (APC regulator of Wnt signaling pathway; plus strand). Cytogenetic location: 5q22.2.
Variant type: single nucleotide variant.
Coding change: c.4831C>G on transcript NM_000038.6 (MANE Select); coding-DNA position 4831, C replaced by G.
Protein change: p.Gln1611Glu; replaces glutamine 1611 with glutamic acid.
Molecular consequence: missense variant.
Genome position (GRCh38, 1-based): chr5:112,840,425, C>G. VCF-style: chr5-112840425-C-G. GRCh37 (hg19) VCF-style: chr5-112176122-C-G.
Other names: c.4831C>G, p.Gln1611Glu (NM_001127510.3, NM_001354895.2); c.4777C>G, p.Gln1593Glu (NM_001127511.3); c.4885C>G, p.Gln1629Glu (NM_001354896.2); c.4861C>G, p.Gln1621Glu (NM_001354897.2); c.4756C>G, p.Gln1586Glu (NM_001354898.2); c.4747C>G, p.Gln1583Glu (NM_001354899.2); c.4708C>G, p.Gln1570Glu (NM_001354900.2); c.4654C>G, p.Gln1552Glu (NM_001354901.2); and 6 more; short protein forms Q1586E, Q1593E, Q1621E, Q1485E, Q1510E, Q1451E, Q1520E, Q1583E.
Identifiers: ClinVar variation 1428925 (VCV001428925.12), dbSNP rs774847203, ClinGen allele CA039959.